The following is an entry in ClinVar:

NM_007186.6(CEP250):c.1716+5G>A

Genes: CEP250 (centrosomal protein 250; plus strand), CEP250-AS1 (CEP250 antisense RNA 1; minus strand). Cytogenetic location: 20q11.22.
Variant type: single nucleotide variant.
Coding change: c.1716+5G>A on transcript NM_007186.6 (MANE Select); 5 bases into the intron after coding-DNA position 1716, G replaced by A.
Molecular consequence: intron variant.
Genome position (GRCh38, 1-based): chr20:35,475,651, G>A. VCF-style: chr20-35475651-G-A. GRCh37 (hg19) VCF-style: chr20-34063476-G-A.
Other names: c.-184+5G>A (NM_001318219.1).
Identifiers: ClinVar variation 1018231 (VCV001018231.7), dbSNP rs2063150425, ClinGen allele CA2361667788.
Genomic context (GRCh38, chr20:35,475,651, plus strand): 5'-TGGAAGGGGAGTTACTGAGGCAAGAGCAAACGGAAGTGACCGCAGCGCTGGCTAGGGTGC[G>A]TGGCCTCCTCTCCTCACTTGCTGGGTGGGCGGCTTCGAAAGTGTGTTCCCATGCAGCCTG-3'

ClinVar aggregate classification (germline): Uncertain significance (1 of 4 stars; one submission).

Allele frequency attached by ClinVar (database versions not stated): gnomAD exomes below 0.00001.
gnomAD v4.1: 3 of 1,612,822 alleles (0.00019%); highest among the groups gnomAD compares: South Asian, 0.0011%; no homozygotes.

Submission:

Labcorp Genetics (formerly Invitae), Labcorp
Classification: Uncertain significance. Last evaluated: 2024-04-03. Review status: criteria provided, single submitter. Criteria: Invitae Variant Classification Sherloc (09022015). Collection method: clinical testing. Allele origin: germline.
Comment: This sequence change falls in intron 15 of the CEP250 gene. It does not directly change the encoded amino acid sequence of the CEP250 protein. It affects a nucleotide within the consensus splice site. This variant is not present in population databases (gnomAD no frequency). This variant has not been reported in the literature in individuals affected with CEP250-related conditions. ClinVar contains an entry for this variant (Variation ID: 1018231). Variants that disrupt the consensus splice site are a relatively common cause of aberrant splicing (PMID: 17576681, 9536098). Algorithms developed to predict the effect of sequence changes on RNA splicing suggest that this variant may disrupt the consensus splice site. In summary, the available evidence is currently insufficient to determine the role of this variant in disease. Therefore, it has been classified as a Variant of Uncertain Significance.

Literature cited by the submitters: PubMed 17576681; PubMed 9536098.